The following is an entry in ClinVar:

ClinVar aggregate classification (germline): Uncertain significance (1 of 4 stars; one submission).

Submission:

Women's Health and Genetics/Laboratory Corporation of America, LabCorp
Classification: Uncertain significance. Last evaluated: 2025-11-14. Review status: criteria provided, single submitter. Criteria: LabCorp Variant Classification Summary - May 2015. Collection method: clinical testing. Allele origin: germline.
Comment: Variant summary: CASR c.227T>G (p.Phe76Cys) results in a non-conservative amino acid change in the encoded protein sequence. Algorithms developed to predict the effect of missense changes on protein structure and function all suggest that this variant is likely to be disruptive. The variant was absent in 251350 control chromosomes. The available data on variant occurrences in the general population are insufficient to allow any conclusion about variant significance. To our knowledge, no occurrence of c.227T>G in individuals affected with CASR-related conditions and no experimental evidence demonstrating its impact on protein function have been reported. No submitters have cited clinical-significance assessments for this variant to ClinVar. Based on the evidence outlined above, the variant was classified as uncertain significance.

NM_000388.4(CASR):c.227T>G (p.Phe76Cys)

Gene: CASR (calcium sensing receptor; plus strand). Cytogenetic location: 3q21.1.
Variant type: single nucleotide variant.
Coding change: c.227T>G on transcript NM_000388.4 (MANE Select); coding-DNA position 227, T replaced by G.
Protein change: p.Phe76Cys; replaces phenylalanine 76 with cysteine.
Molecular consequence: missense variant.
Genome position (GRCh38, 1-based): chr3:122,257,122, T>G. VCF-style: chr3-122257122-T-G. GRCh37 (hg19) VCF-style: chr3-121975969-T-G.
Other names: c.227T>G, p.Phe76Cys (NM_001178065.2); short protein forms F76C.
Identifiers: ClinVar variation 4536689 (VCV004536689.1).
Genomic context (GRCh38, chr3:122,257,122, plus strand): 5'-CACTTCTTCTTTCTTCCAGGTATAATTTCCGTGGGTTTCGCTGGTTACAGGCTATGATAT[T>G]TGCCATAGAGGAGATAAACAGCAGCCCAGCCCTTCTTCCCAACTTGACGCTGGGATACAG-3'
Protein context (NP_000379.3, residues 66-86): RGFRWLQAMI[Phe76Cys]AIEEINSSPA